The following is an entry in ClinVar:

ClinVar aggregate classification (germline): Uncertain significance. Review status: criteria provided, single submitter (1 of 4 stars). 2 submissions from 1 submitter: Uncertain significance (1). 1 of the submissions does not count toward it. Last evaluated 2019-05-10.

Conditions:
Neuropathy, hereditary sensory and autonomic, type 2B (HSAN2B). Also called: RETREG1-Related HSAN2 (HSAN2B). Identifiers: Orphanet 970, MedGen C2751092, MONDO:0013142, OMIM 613115.

Submissions (2):

Labcorp Genetics (formerly Invitae), Labcorp
Classification: Uncertain significance. Last evaluated: 2019-05-10. Review status: criteria provided, single submitter. Criteria: Invitae Variant Classification Sherloc (09022015). Collection method: clinical testing. Allele origin: germline.
Comment: This variant is a gross duplication of the genomic region encompassing exon 1 of the FAM134B gene. The 5' end of this event is unknown as it extends beyond the assayed region for this gene and therefore may encompass additional genes. The 3' boundary is likely confined to intron 1of the FAM134B gene. The exact location of this variant in the genome is unknown. This variant has not been reported in the literature in individuals with FAM134B-related disease. In summary, the available evidence is currently insufficient to determine the role of this variant in disease. Therefore, it has been classified as a Variant of Uncertain Significance.

Labcorp Genetics (formerly Invitae), Labcorp
Classification: Uncertain significance for Hereditary sensory and autonomic neuropathy type IIB. Last evaluated: 2019-05-17. Review status: flagged submission. Criteria: Invitae Variant Classification Sherloc (09022015). Collection method: clinical testing. Allele origin: germline. Not counted in ClinVar's aggregate classification.
Comment: the same text as in the submission from Labcorp Genetics (formerly Invitae), Labcorp above.
ClinVar note: Reason: This record appears to be redundant with a more recent record from the same submitter.
ClinVar note: Notes: SCV000769106 appears to be redundant with SCV001566956.

NC_000005.9:g.(?_16616741)_(16617100_?)dup

Genes: RETREG1 (reticulophagy regulator 1; minus strand), RETREG1-AS1 (RETREG1 antisense RNA 1; plus strand), LOC129993734 (ATAC-STARR-seq lymphoblastoid silent region 15947; plus strand). Cytogenetic location: 5p15.1.
Variant type: Duplication.
Identifiers: ClinVar variation 538138 (VCV000538138.7).